The following is an entry in ClinVar:

NM_000038.6(APC):c.8380A>G (p.Ser2794Gly)

Gene: APC (APC regulator of Wnt signaling pathway; plus strand). Cytogenetic location: 5q22.2.
Variant type: single nucleotide variant.
Coding change: c.8380A>G on transcript NM_000038.6 (MANE Select); coding-DNA position 8380, A replaced by G.
Protein change: p.Ser2794Gly; replaces serine 2794 with glycine.
Molecular consequence: missense variant.
Genome position (GRCh38, 1-based): chr5:112,843,974, A>G. VCF-style: chr5-112843974-A-G. GRCh37 (hg19) VCF-style: chr5-112179671-A-G.
Other names: c.8380A>G, p.Ser2794Gly (NM_001127510.3, NM_001354895.2); c.8326A>G, p.Ser2776Gly (NM_001127511.3); c.8434A>G, p.Ser2812Gly (NM_001354896.2); c.8410A>G, p.Ser2804Gly (NM_001354897.2); c.8305A>G, p.Ser2769Gly (NM_001354898.2); c.8296A>G, p.Ser2766Gly (NM_001354899.2); c.8257A>G, p.Ser2753Gly (NM_001354900.2); c.8203A>G, p.Ser2735Gly (NM_001354901.2); and 5 more; short protein forms S2703G, S2753G, S2766G, S2769G, S2776G, S2511G, S2634G, S2693G.
Identifiers: ClinVar variation 939116 (VCV000939116.12), dbSNP rs1766726507, ClinGen allele CA16039520.

ClinVar aggregate classification (germline): Uncertain significance. Review status: criteria provided, multiple submitters, no conflicts (2 of 4 stars). 2 submissions from 2 submitters: Uncertain significance (2). Last evaluated 2025-05-05.

Conditions:
Hereditary cancer-predisposing syndrome. Also called: Hereditary neoplastic syndrome; Neoplastic Syndromes, Hereditary; Tumor predisposition; Hereditary Cancer Syndrome. Identifiers: Orphanet 140162, MedGen C0027672, MeSH D009386, MONDO:0015356.
Familial adenomatous polyposis 1 (FAP1). Also called: FAMILIAL ADENOMATOUS POLYPOSIS 1, ATTENUATED; POLYPOSIS, ADENOMATOUS INTESTINAL. Identifiers: MedGen C2713442, MONDO:0021056, OMIM 175100. Disease mechanism: loss of function.

Allele frequency attached by ClinVar (database versions not stated): gnomAD exomes below 0.00001.
gnomAD v4.1: 1 of 1,602,370 alleles (0.000062%); highest among the groups gnomAD compares: Non-Finnish European, 0.000085%; no homozygotes.

Submissions (2):

Labcorp Genetics (formerly Invitae), Labcorp
Classification: Uncertain significance for Familial adenomatous polyposis 1. Last evaluated: 2025-05-05. Review status: criteria provided, single submitter. Criteria: Invitae Variant Classification Sherloc (09022015). Collection method: clinical testing. Allele origin: germline.
Comment: This sequence change replaces serine, which is neutral and polar, with glycine, which is neutral and non-polar, at codon 2794 of the APC protein (p.Ser2794Gly). This variant is not present in population databases (gnomAD no frequency). This variant has not been reported in the literature in individuals affected with APC-related conditions. ClinVar contains an entry for this variant (Variation ID: 939116). Invitae Evidence Modeling of protein sequence and biophysical properties (such as structural, functional, and spatial information, amino acid conservation, physicochemical variation, residue mobility, and thermodynamic stability) indicates that this missense variant is not expected to disrupt APC protein function with a negative predictive value of 95%. In summary, the available evidence is currently insufficient to determine the role of this variant in disease. Therefore, it has been classified as a Variant of Uncertain Significance.

Ambry Genetics
Classification: Uncertain significance for Hereditary cancer-predisposing syndrome. Last evaluated: 2024-02-28. Review status: criteria provided, single submitter. Criteria: Ambry Variant Classification Scheme 2023. Collection method: clinical testing. Allele origin: germline.
Comment: The p.S2794G variant (also known as c.8380A>G), located in coding exon 15 of the APC gene, results from an A to G substitution at nucleotide position 8380. The serine at codon 2794 is replaced by glycine, an amino acid with similar properties. This amino acid position is conserved. In addition, in silico predictors for this gene do not accurately predict pathogenicity. Based on the available evidence, the clinical significance of this alteration remains unclear.